The following is an entry in ClinVar:

NM_000393.5(COL5A2):c.3147+5_3147+16del

Gene: COL5A2 (collagen type V alpha 2 chain; minus strand). Cytogenetic location: 2q32.2.
Variant type: Deletion.
Coding change: c.3147+5_3147+16del on transcript NM_000393.5 (MANE Select); bases 5 to 16 of the intron after coding-DNA position 3147, 12 bases deleted (GTACTACAGTGA).
Molecular consequence: splice donor variant.
Genome position (GRCh38, 1-based): chr2:189,049,331-189,049,342, TCACTGTAGTAC deleted on the plus strand (GTACTACAGTGA on the coding strand, the reverse complement: COL5A2 is on the minus strand); deleting any 12 consecutive bases within chr2:189,049,331-189,049,347 gives the same sequence; the c. name uses the placement nearest the transcript's 3' end. VCF-style (leftmost placement, unchanged base first): chr2-189049330-TTCACTGTAGTAC-T. GRCh37 (hg19) VCF-style: chr2-189914056-TTCACTGTAGTAC-T.
Identifiers: ClinVar variation 2703778 (VCV002703778.3), dbSNP rs2469249510, ClinGen allele CA2697551422.

ClinVar aggregate classification (germline): Uncertain significance (1 of 4 stars; one submission).

Conditions:
Ehlers-Danlos syndrome, classic type, 1 (EDSCL1). Also called: EHLERS-DANLOS SYNDROME, GRAVIS TYPE; EHLERS-DANLOS SYNDROME, SEVERE CLASSIC TYPE; Ehlers-Danlos syndrome, type 1; Ehlers-Danlos Syndrome, Classic Type, COL5A1-Related; EDS I. Identifiers: MedGen C0268335, MONDO:0019567, OMIM 130000.

Submission:

Labcorp Genetics (formerly Invitae), Labcorp
Classification: Uncertain significance for Ehlers-Danlos syndrome, classic type, 1. Last evaluated: 2024-02-22. Review status: criteria provided, single submitter. Criteria: Invitae Variant Classification Sherloc (09022015). Collection method: clinical testing. Allele origin: germline.
Comment: This sequence change falls in intron 44 of the COL5A2 gene. It does not directly change the encoded amino acid sequence of the COL5A2 protein. It affects a nucleotide within the consensus splice site. This variant is not present in population databases (gnomAD no frequency). This variant has not been reported in the literature in individuals affected with COL5A2-related conditions. Variants that disrupt the consensus splice site are a relatively common cause of aberrant splicing (PMID: 17576681, 9536098). Algorithms developed to predict the effect of sequence changes on RNA splicing suggest that this variant may disrupt the consensus splice site. In summary, the available evidence is currently insufficient to determine the role of this variant in disease. Therefore, it has been classified as a Variant of Uncertain Significance.

Literature cited by the submitters: PubMed 17576681; PubMed 9536098.